The following is an entry in ClinVar:

ClinVar aggregate classification (germline): Likely pathogenic (1 of 4 stars; one submission).

Conditions:
Lipoic acid synthetase deficiency. Also called: HYPERGLYCINEMIA, LACTIC ACIDOSIS, AND SEIZURES. Identifiers: Orphanet 401859, MedGen C3280887, MONDO:0013762, OMIM 614462.

Allele frequency attached by ClinVar (database versions not stated): gnomAD exomes below 0.00001.
gnomAD v4.1: 3 of 1,607,832 alleles (0.00019%); highest among the groups gnomAD compares: Non-Finnish European, 0.00026%; no homozygotes.

Submission:

Labcorp Genetics (formerly Invitae), Labcorp
Classification: Likely pathogenic for Lipoic acid synthetase deficiency. Last evaluated: 2022-05-27. Review status: criteria provided, single submitter. Criteria: Invitae Variant Classification Sherloc (09022015). Collection method: clinical testing. Allele origin: germline.
Comment: In summary, the currently available evidence indicates that the variant is pathogenic, but additional data are needed to prove that conclusively. Therefore, this variant has been classified as Likely Pathogenic. Algorithms developed to predict the effect of sequence changes on RNA splicing suggest that this variant may disrupt the consensus splice site. This variant has not been reported in the literature in individuals affected with LIAS-related conditions. The frequency data for this variant in the population databases is considered unreliable, as metrics indicate poor data quality at this position in the gnomAD database. This sequence change affects an acceptor splice site in intron 8 of the LIAS gene. It is expected to disrupt RNA splicing. Variants that disrupt the donor or acceptor splice site typically lead to a loss of protein function (PMID: 16199547), and loss-of-function variants in LIAS are known to be pathogenic (PMID: 24334290, 27923773).

Literature cited by the submitters: PubMed 16199547; PubMed 24334290; PubMed 27923773.

NM_006859.4(LIAS):c.884-1G>A

Gene: LIAS (lipoic acid synthetase; plus strand). Cytogenetic location: 4p14.
Variant type: single nucleotide variant.
Coding change: c.884-1G>A on transcript NM_006859.4 (MANE Select); the canonical splice acceptor site of the intron before coding-DNA position 884, G replaced by A.
Molecular consequence: splice acceptor variant.
Genome position (GRCh38, 1-based): chr4:39,471,235, G>A. VCF-style: chr4-39471235-G-A. GRCh37 (hg19) VCF-style: chr4-39472855-G-A.
Other names: c.884-1G>A (NM_194451.3); c.755-1G>A (NM_001278590.2); c.575-1G>A (NM_001363700.2).
Identifiers: ClinVar variation 1524663 (VCV001524663.6), dbSNP rs201155530, ClinGen allele CA95732008.